The following is an entry in ClinVar:

ClinVar aggregate classification (germline): Uncertain significance (1 of 4 stars; one submission).

Submission:

Ambry Genetics
Classification: Uncertain significance. Last evaluated: 2025-06-20. Review status: criteria provided, single submitter. Criteria: Ambry Variant Classification Scheme 2023. Collection method: clinical testing. Allele origin: germline.
Comment: The p.P518L variant (also known as c.1553C>T), located in coding exon 13 of the GEN1 gene, results from a C to T substitution at nucleotide position 1553. The proline at codon 518 is replaced by leucine, an amino acid with similar properties. This amino acid position is conserved. In addition, this alteration is predicted to be tolerated by in silico analysis. Based on the available evidence, the clinical significance of this variant remains unclear.

NM_001130009.3(GEN1):c.1553C>T (p.Pro518Leu)

Gene: GEN1 (GEN1 Holliday junction 5' flap endonuclease; plus strand). Cytogenetic location: 2p24.2.
Variant type: single nucleotide variant.
Coding change: c.1553C>T on transcript NM_001130009.3 (MANE Select); coding-DNA position 1553, C replaced by T.
Protein change: p.Pro518Leu; replaces proline 518 with leucine.
Molecular consequence: missense variant.
Genome position (GRCh38, 1-based): chr2:17,780,765, C>T. VCF-style: chr2-17780765-C-T. GRCh37 (hg19) VCF-style: chr2-17962032-C-T.
Other names: c.1553C>T, p.Pro518Leu (NM_182625.5); short protein forms P518L.
Identifiers: ClinVar variation 4262985 (VCV004262985.1).